The following is an entry in ClinVar:

ClinVar aggregate classification (germline): Likely benign. Review status: criteria provided, multiple submitters, no conflicts (2 of 4 stars). 7 submissions from 7 submitters: Likely benign (5). 2 of the submissions do not count toward it. Last evaluated 2026-01-25.

Conditions:
Cardiovascular phenotype. Identifiers: MedGen CN230736.
X-linked myopathy with postural muscle atrophy. Also called: FHL1-Related Emery-Dreifuss Muscular Dystrophy, X-Linked. Identifiers: Orphanet 178461, MedGen C2678055, MONDO:0010401, OMIM 300696.

Allele frequency attached by ClinVar (database versions not stated): ExAC 0.00002; TOPMed 0.00002; gnomAD 0.00003; gnomAD exomes 0.00003.
gnomAD v4.1: 31 of 1,208,866 alleles (0.0026%); highest among the groups gnomAD compares: Non-Finnish European, 0.0034%; no homozygotes.

Submissions (7):

Labcorp Genetics (formerly Invitae), Labcorp
Classification: Likely benign for X-linked myopathy with postural muscle atrophy. Last evaluated: 2026-01-25. Review status: criteria provided, single submitter. Criteria: Invitae Variant Classification Sherloc (09022015). Collection method: clinical testing. Allele origin: germline.

Women's Health and Genetics/Laboratory Corporation of America, LabCorp
Classification: Likely benign. Last evaluated: 2025-06-13. Review status: criteria provided, single submitter. Criteria: LabCorp Variant Classification Summary - May 2015. Collection method: clinical testing. Allele origin: germline.
Comment: Variant summary: FHL1 c.944C>T (p.Thr315Ile) results in a non-conservative amino acid change in the encoded protein sequence. Algorithms developed to predict the effect of missense changes on protein structure and function are either unavailable or do not agree on the potential impact of this missense change. The variant allele was found at a frequency of 2.6e-05 in 1208866 control chromosomes (gnomAD v4.1). This includes multuple hemizygous males, suggesting the variant is a benign polymorphism. To our knowledge, no occurrence of c.944C>T in individuals affected with Emery-Dreifuss Muscular Dystrophy and no experimental evidence demonstrating its impact on protein function have been reported. ClinVar contains an entry for this variant (Variation ID: 392822). Based on the evidence outlined above, the variant was classified as likely benign.

Ambry Genetics
Classification: Likely benign for Cardiovascular phenotype. Last evaluated: 2025-03-22. Review status: criteria provided, single submitter. Criteria: Ambry Variant Classification Scheme 2023. Collection method: clinical testing. Allele origin: germline.

Blueprint Genetics
Classification: Likely benign. Last evaluated: 2024-11-25. Review status: criteria provided, single submitter. Criteria: ACMG Guidelines, 2015. Collection method: clinical testing. Allele origin: germline.

GeneDx
Classification: Likely benign. Last evaluated: 2018-11-30. Review status: criteria provided, single submitter. Criteria: GeneDx Variant Classification Process June 2021. Collection method: clinical testing. Allele origin: germline. Affected: yes.

Clinical Genetics, Academic Medical Center
Classification: Uncertain significance. Review status: no assertion criteria provided. Collection method: clinical testing. Allele origin: germline. Affected: yes. Study: VKGL Data-share Consensus. Not counted in ClinVar's aggregate classification.

Genome Diagnostics Laboratory, University Medical Center Utrecht
Classification: Uncertain significance. Review status: no assertion criteria provided. Collection method: clinical testing. Allele origin: germline. Affected: yes. Study: VKGL Data-share Consensus. Not counted in ClinVar's aggregate classification.

NM_001159699.2(FHL1):c.792C>T (p.Tyr264=)

Gene: FHL1 (four and a half LIM domains 1; plus strand). Cytogenetic location: Xq26.3.
Variant type: single nucleotide variant.
Coding change: c.792C>T on transcript NM_001159699.2 (MANE Select); coding-DNA position 792, C replaced by T.
Protein change: p.Tyr264=; no amino-acid change (tyrosine 264 retained).
Molecular consequence: synonymous variant. On other transcripts: missense variant (6), non-coding transcript variant (1).
Genome position (GRCh38, 1-based): chrX:136,209,926, C>T. VCF-style: chrX-136209926-C-T. GRCh37 (hg19) VCF-style: chrX-135292085-C-T.
Other names: c.744C>T, p.Tyr248= (NM_001159700.2, NM_001159704.1, NM_001167819.1 and 4 more transcripts); c.831C>T, p.Tyr277= (NM_001159701.2); c.944C>T, p.Thr315Ile (NM_001159702.3, NM_001369326.1, NM_001369327.2 and 1 more transcripts); c.557C>T, p.Thr186Ile (NM_001159703.2); c.605C>T, p.Thr202Ile (NM_001330659.2); short protein forms T315I, T186I, T202I.
Identifiers: ClinVar variation 392822 (VCV000392822.20), dbSNP rs755385158, ClinGen allele CA10525123.